The following is an entry in ClinVar:

ClinVar aggregate classification (germline): Uncertain significance (1 of 4 stars; one submission).

Allele frequency attached by ClinVar (database versions not stated): TOPMed below 0.00001.
gnomAD v4.1: 14 of 1,555,698 alleles (0.0009%); highest among the groups gnomAD compares: South Asian, 0.0012%; no homozygotes.

Submission:

Labcorp Genetics (formerly Invitae), Labcorp
Classification: Uncertain significance. Last evaluated: 2025-06-12. Review status: criteria provided, single submitter. Criteria: Invitae Variant Classification Sherloc (09022015). Collection method: clinical testing. Allele origin: germline.
Comment: This sequence change replaces glycine, which is neutral and non-polar, with arginine, which is basic and polar, at codon 28 of the DMRT2 protein (p.Gly28Arg). The frequency data for this variant in the population databases is considered unreliable, as metrics indicate poor data quality at this position in the gnomAD database. This variant has not been reported in the literature in individuals affected with DMRT2-related conditions. ClinVar contains an entry for this variant (Variation ID: 2904117). An algorithm developed to predict the effect of missense changes on protein structure and function outputs the following: PolyPhen-2: "Probably Damaging". The arginine amino acid residue is found in multiple mammalian species, which suggests that this missense change does not adversely affect protein function. In summary, the available evidence is currently insufficient to determine the role of this variant in disease. Therefore, it has been classified as a Variant of Uncertain Significance.

NM_181872.6(DMRT2):c.82G>C (p.Gly28Arg)

Gene: DMRT2 (doublesex and mab-3 related transcription factor 2; plus strand). Cytogenetic location: 9p24.3.
Variant type: single nucleotide variant.
Coding change: c.82G>C on transcript NM_181872.6 (MANE Select); coding-DNA position 82, G replaced by C.
Protein change: p.Gly28Arg; replaces glycine 28 with arginine.
Molecular consequence: missense variant. On other transcripts: 5 prime UTR variant (1), non-coding transcript variant (1).
Genome position (GRCh38, 1-based): chr9:1,051,695, G>C. VCF-style: chr9-1051695-G-C. GRCh37 (hg19) VCF-style: chr9-1051695-G-C.
Other names: c.82G>C, p.Gly28Arg (NM_001130865.3, NM_001370531.1, NM_001370533.1 and 4 more transcripts); c.-569G>C (NM_001370532.1); short protein forms G28R.
Identifiers: ClinVar variation 2904117 (VCV002904117.3), dbSNP rs763491458, ClinGen allele CA187866867.
Genomic context (GRCh38, chr9:1,051,695, plus strand): 5'-TCCGCGGCCGGGGACTGGGAGATCGATGTCGAGAGCCTGGAGCTGGAAGAGGACGTCTGC[G>C]GGGCGCCGCGGTCCACGCCCCCCGGGCCCAGCCCGCCGCCGGCGGACGGGGACTGCGAGG-3'
Protein context (NP_870987.2, residues 18-38): ESLELEEDVC[Gly28Arg]APRSTPPGPS